The following is an entry in ClinVar:

ClinVar aggregate classification (germline): Uncertain significance (1 of 4 stars; one submission).

Submission:

Labcorp Genetics (formerly Invitae), Labcorp
Classification: Uncertain significance. Last evaluated: 2025-03-06. Review status: criteria provided, single submitter. Criteria: Invitae Variant Classification Sherloc (09022015). Collection method: clinical testing. Allele origin: germline.
Comment: This sequence change falls in intron 30 of the PIEZO2 gene. It does not directly change the encoded amino acid sequence of the PIEZO2 protein. It affects a nucleotide within the consensus splice site. This variant is not present in population databases (gnomAD no frequency). This variant has not been reported in the literature in individuals affected with PIEZO2-related conditions. Variants that disrupt the consensus splice site are a relatively common cause of aberrant splicing (PMID: 17576681, 9536098). Algorithms developed to predict the effect of sequence changes on RNA splicing suggest that this variant is not likely to affect RNA splicing. In summary, the available evidence is currently insufficient to determine the role of this variant in disease. Therefore, it has been classified as a Variant of Uncertain Significance.

Literature cited by the submitters: PubMed 17576681; PubMed 9536098.

NM_001378183.1(PIEZO2):c.4636+4T>C

Gene: PIEZO2 (piezo type mechanosensitive ion channel component 2; minus strand). Cytogenetic location: 18p11.22.
Variant type: single nucleotide variant.
Coding change: c.4636+4T>C on transcript NM_001378183.1 (MANE Select); 4 bases into the intron after coding-DNA position 4636, T replaced by C.
Molecular consequence: intron variant.
Genome position (GRCh38, 1-based): chr18:10,742,490, A>G on the plus strand (T>C on the coding strand, the complement: PIEZO2 is on the minus strand). VCF-style: chr18-10742490-A-G. GRCh37 (hg19) VCF-style: chr18-10742488-A-G.
Other names: c.4561+4T>C (NM_022068.4); c.4636+4T>C (NM_001410871.1).
Identifiers: ClinVar variation 3728009 (VCV003728009.2).